The following is an entry in ClinVar:

NM_021098.3(CACNA1H):c.2604-3C>T

Gene: CACNA1H (calcium voltage-gated channel subunit alpha1 H; plus strand). Cytogenetic location: 16p13.3.
Variant type: single nucleotide variant.
Coding change: c.2604-3C>T on transcript NM_021098.3 (MANE Select); 3 bases into the intron before coding-DNA position 2604, C replaced by T.
Molecular consequence: intron variant.
Genome position (GRCh38, 1-based): chr16:1,206,101, C>T. VCF-style: chr16-1206101-C-T. GRCh37 (hg19) VCF-style: chr16-1256101-C-T.
Other names: c.2604-3C>T (NM_001005407.2).
Identifiers: ClinVar variation 1055545 (VCV001055545.7), dbSNP rs1489658003, ClinGen allele CA620697610.

ClinVar aggregate classification (germline): Uncertain significance (1 of 4 stars; one submission).

Conditions:
Hyperaldosteronism, familial, type IV (HALD4). Also called: FH IV; ALDOSTERONISM, PRIMARY, AND HYPERTENSION. Identifiers: Orphanet 642671, MedGen C4310756, MONDO:0014875, OMIM 617027.
Idiopathic generalized epilepsy. Also called: Generalised epilepsy; EIG. Identifiers: MedGen C0270850, MONDO:0005579, OMIM 600669.

Allele frequency attached by ClinVar (database versions not stated): TOPMed below 0.00001.
gnomAD v4.1: 2 of 1,568,748 alleles (0.00013%); highest among the groups gnomAD compares: African/African-American, 0.0013%; no homozygotes.

Submission:

Labcorp Genetics (formerly Invitae), Labcorp
Classification: Uncertain significance for Idiopathic generalized epilepsy; Hyperaldosteronism, familial, type IV. Last evaluated: 2020-08-05. Review status: criteria provided, single submitter. Criteria: Invitae Variant Classification Sherloc (09022015). Collection method: clinical testing. Allele origin: germline.
Comment: In summary, the available evidence is currently insufficient to determine the role of this variant in disease. Therefore, it has been classified as a Variant of Uncertain Significance. This sequence change falls in intron 11 of the CACNA1H gene. It does not directly change the encoded amino acid sequence of the CACNA1H protein, but it affects a nucleotide within the consensus splice site of the intron. This variant is not present in population databases (ExAC no frequency). This variant has not been reported in the literature in individuals with CACNA1H-related conditions. Nucleotide substitutions within the consensus splice site are a relatively common cause of aberrant splicing (PMID: 17576681, 9536098). Algorithms developed to predict the effect of sequence changes on RNA splicing suggest that this variant is not likely to affect RNA splicing, but this prediction has not been confirmed by published transcriptional studies.

Literature cited by the submitters: PubMed 17576681; PubMed 9536098.